The following is an entry in ClinVar:

NM_001035235.4(SRA1):c.26-11C>T

Gene: SRA1 (steroid receptor RNA activator 1; minus strand). Cytogenetic location: 5q31.3.
Variant type: single nucleotide variant.
Coding change: c.26-11C>T on transcript NM_001035235.4 (MANE Select); 11 bases into the intron before coding-DNA position 26, C replaced by T.
Molecular consequence: intron variant. On other transcripts: missense variant (1), non-coding transcript variant (2).
Genome position (GRCh38, 1-based): chr5:140,557,283, G>A on the plus strand (C>T on the coding strand, the complement: SRA1 is on the minus strand). VCF-style: chr5-140557283-G-A. GRCh37 (hg19) VCF-style: chr5-139936868-G-A.
Other names: c.170C>T, p.Ser57Leu (NM_001253764.2); short protein forms S57L.
Identifiers: ClinVar variation 3058167 (VCV003058167.3), dbSNP rs200718775, ClinGen allele CA3440753.

ClinVar aggregate classification (germline): Likely benign. Review status: criteria provided, single submitter (1 of 4 stars). 2 submissions from 2 submitters: Likely benign (1). 1 of the submissions does not count toward it. Last evaluated 2025-04-09.

Conditions:
SRA1-related disorder. Also called: SRA1-related condition.

Allele frequency attached by ClinVar (database versions not stated): gnomAD 0.00003; gnomAD exomes 0.00003; TOPMed 0.00003; ExAC 0.00006; 1000 Genomes Project 30x 0.00031; 1000 Genomes Project 0.00040.
gnomAD v4.1: 48 of 1,610,154 alleles (0.003%); highest among the groups gnomAD compares: Admixed American, 0.03%; no homozygotes.

Submissions (2):

Labcorp Genetics (formerly Invitae), Labcorp
Classification: Likely benign. Last evaluated: 2025-04-09. Review status: criteria provided, single submitter. Criteria: Invitae Variant Classification Sherloc (09022015). Collection method: clinical testing. Allele origin: germline.

PreventionGenetics, part of Exact Sciences
Classification: Likely benign for SRA1-related condition. Last evaluated: 2019-04-15. Review status: no assertion criteria provided. Collection method: clinical testing. Allele origin: germline. Not counted in ClinVar's aggregate classification.
Comment: This variant is classified as likely benign based on ACMG/AMP sequence variant interpretation guidelines (Richards et al. 2015 PMID: 25741868, with internal and published modifications).